The following is an entry in ClinVar:

ClinVar aggregate classification (germline): Benign/Likely benign. Review status: criteria provided, multiple submitters, no conflicts (2 of 4 stars). 2 submissions from 2 submitters: Benign (1); Likely benign (1). Last evaluated 2018-06-19.

Conditions:
Pitt-Hopkins syndrome (PTHS). Also called: ENCEPHALOPATHY, SEVERE EPILEPTIC, WITH AUTONOMIC DYSFUNCTION; MENTAL RETARDATION, SYNDROMAL, WITH INTERMITTENT HYPERVENTILATION. Identifiers: Orphanet 2896, MedGen C1970431, MONDO:0012589, OMIM 610954.

Allele frequency attached by ClinVar (database versions not stated): 1000 Genomes Project 0.00859; 1000 Genomes Project 30x 0.00890; TOPMed 0.01273; gnomAD 0.01565 and 0.01589; gnomAD exomes 0.01949.
gnomAD v4.1: 9,215 of 504,456 alleles (1.8%); highest among the groups gnomAD compares: South Asian, 2.3%; 147 homozygotes.

Submissions (2):

GeneDx
Classification: Likely benign. Last evaluated: 2018-06-19. Review status: criteria provided, single submitter. Criteria: GeneDx Variant Classification Process June 2021. Collection method: clinical testing. Allele origin: germline. Affected: yes.

Illumina Laboratory Services, Illumina
Classification: Benign for Pitt-Hopkins syndrome. Last evaluated: 2018-01-13. Review status: criteria provided, single submitter. Criteria: ICSL Variant Classification Criteria 13 December 2019. Collection method: clinical testing. Allele origin: germline.
Comment: This variant was observed in the ICSL laboratory as part of a predisposition screen in an ostensibly healthy population. It had not been previously curated by ICSL or reported in the Human Gene Mutation Database (HGMD: prior to June 1st, 2018), and was therefore a candidate for classification through an automated scoring system. Utilizing variant allele frequency, disease prevalence and penetrance estimates, and inheritance mode, an automated score was calculated to assess if this variant is too frequent to cause the disease. Based on the score and internal cut-off values, a variant classified as benign is not then subjected to further curation. The score for this variant resulted in a classification of benign for this disease.

NM_001083962.2(TCF4):c.*53C>A

Gene: TCF4 (transcription factor 4; minus strand). Cytogenetic location: 18q21.2.
Variant type: single nucleotide variant.
Coding change: c.*53C>A on transcript NM_001083962.2 (MANE Select); 53 bases downstream of the stop codon, C replaced by A.
Molecular consequence: 3 prime UTR variant.
Genome position (GRCh38, 1-based): chr18:55,227,982, G>T on the plus strand (C>A on the coding strand, the complement: TCF4 is on the minus strand). VCF-style: chr18-55227982-G-T. GRCh37 (hg19) VCF-style: chr18-52895213-G-T.
Other names: c.*53C>A (NM_001243226.3, NM_001243227.2, NM_001243228.2 and 42 more transcripts).
Identifiers: ClinVar variation 327301 (VCV000327301.7), dbSNP rs111947783, ClinGen allele CA10651862.